The following is an entry in ClinVar:

ClinVar aggregate classification (germline): Benign. Review status: criteria provided, multiple submitters, no conflicts (2 of 4 stars). 3 submissions from 3 submitters: Benign (3). Last evaluated 2025-12-19.

Conditions:
PHARC syndrome. Also called: Polyneuropathy-hearing loss-ataxia-retinitis pigmentosa-cataract syndrome. Identifiers: Orphanet 171848, MedGen C2675204, MONDO:0012984, OMIM 612674.

Allele frequency attached by ClinVar (database versions not stated): gnomAD 0.00029 and 0.00098; TOPMed 0.00031; ESP Exome Variant Server 0.00032; gnomAD exomes 0.00133 and 0.00289; ExAC 0.00338; 1000 Genomes Project 30x 0.00609; 1000 Genomes Project 0.00719.
gnomAD v4.1: 2,092 of 1,614,064 alleles (0.13%); highest among the groups gnomAD compares: South Asian, 2%; 34 homozygotes.

Submissions (3):

Labcorp Genetics (formerly Invitae), Labcorp
Classification: Benign. Last evaluated: 2025-12-19. Review status: criteria provided, single submitter. Criteria: Invitae Variant Classification Sherloc (09022015). Collection method: clinical testing. Allele origin: germline.

GeneDx
Classification: Benign. Last evaluated: 2018-11-20. Review status: criteria provided, single submitter. Criteria: GeneDx Variant Classification Process June 2021. Collection method: clinical testing. Allele origin: germline. Affected: yes.

Illumina Laboratory Services, Illumina
Classification: Benign for PHARC syndrome. Last evaluated: 2018-01-13. Review status: criteria provided, single submitter. Criteria: ICSL Variant Classification Criteria 13 December 2019. Collection method: clinical testing. Allele origin: germline.
Comment: This variant was observed in the ICSL laboratory as part of a predisposition screen in an ostensibly healthy population. It had not been previously curated by ICSL or reported in the Human Gene Mutation Database (HGMD: prior to June 1st, 2018), and was therefore a candidate for classification through an automated scoring system. Utilizing variant allele frequency, disease prevalence and penetrance estimates, and inheritance mode, an automated score was calculated to assess if this variant is too frequent to cause the disease. Based on the score and internal cut-off values, a variant classified as benign is not then subjected to further curation. The score for this variant resulted in a classification of benign for this disease.

NM_001042472.3(ABHD12):c.1176G>A (p.Ser392=)

Gene: ABHD12 (abhydrolase domain containing 12, lysophospholipase; minus strand). Cytogenetic location: 20p11.21.
Variant type: single nucleotide variant.
Coding change: c.1176G>A on transcript NM_001042472.3 (MANE Select); coding-DNA position 1176, G replaced by A.
Protein change: p.Ser392=; no amino-acid change (serine 392 retained).
Molecular consequence: synonymous variant. On other transcripts: intron variant (1).
Genome position (GRCh38, 1-based): chr20:25,300,866, C>T on the plus strand (G>A on the coding strand, the complement: ABHD12 is on the minus strand). VCF-style: chr20-25300866-C-T. GRCh37 (hg19) VCF-style: chr20-25281502-C-T.
Other names: c.1157+1353G>A (NM_015600.5).
Identifiers: ClinVar variation 337990 (VCV000337990.16), dbSNP rs184232860, ClinGen allele CA9795791.